The following is an entry in ClinVar:

NM_016343.4(CENPF):c.6228G>C (p.Gln2076His)

Gene: CENPF (centromere protein F; plus strand). Cytogenetic location: 1q41.
Variant type: single nucleotide variant.
Coding change: c.6228G>C on transcript NM_016343.4 (MANE Select); coding-DNA position 6228, G replaced by C.
Protein change: p.Gln2076His; replaces glutamine 2076 with histidine.
Molecular consequence: missense variant.
Genome position (GRCh38, 1-based): chr1:214,645,798, G>C. VCF-style: chr1-214645798-G-C. GRCh37 (hg19) VCF-style: chr1-214819141-G-C.
Other names: short protein forms Q2076H.
Identifiers: ClinVar variation 430190 (VCV000430190.5), dbSNP rs571947577, ClinGen allele CA1390920.

ClinVar aggregate classification (germline): Uncertain significance. Review status: criteria provided, multiple submitters, no conflicts (2 of 4 stars). 3 submissions from 3 submitters: Uncertain significance (3). Last evaluated 2023-03-02.

Conditions:
Stromme syndrome (STROMS). Also called: Ciliary dyskinesia, primary, 31; Strømme Syndrome; APPLE PEEL SYNDROME WITH MICROCEPHALY AND OCULAR ANOMALIES. Identifiers: Orphanet 444069, Orphanet 506307, MedGen C1855705, MONDO:0009477, OMIM 243605.
Inborn genetic diseases. Identifiers: MedGen C0950123, MeSH D030342.

Allele frequency attached by ClinVar (database versions not stated): gnomAD 0.00010 and below 0.00001; gnomAD exomes 0.00021 and 0.00047; ExAC 0.00053; 1000 Genomes Project 0.00100; 1000 Genomes Project 30x 0.00109; TOPMed below 0.00001.
gnomAD v4.1: 331 of 1,614,210 alleles (0.021%); highest among the groups gnomAD compares: South Asian, 0.34%; 3 homozygotes.

Submissions (3):

Ambry Genetics
Classification: Uncertain significance for Inborn genetic diseases. Last evaluated: 2023-03-02. Review status: criteria provided, single submitter. Criteria: Ambry Variant Classification Scheme 2023. Collection method: clinical testing. Allele origin: germline.

GeneDx
Classification: Uncertain significance. Last evaluated: 2017-05-18. Review status: criteria provided, single submitter. Criteria: GeneDx Variant Classification (06012015). Collection method: clinical testing. Allele origin: germline. Affected: yes.
Comment: The Q2076H variant in the CENPF gene has not been reported previously as a pathogenic variant, nor as a benign variant, to our knowledge. The Q2076H variant is observed in 63/16474 (0.38%) alleles from individuals of South Asian background, in the ExAC dataset (Lek et al., 2016). The Q2076H variant is a semi-conservative amino acid substitution, which may impact secondary protein structure as these residues differ in some properties. This substitution occurs at a position that is not conserved. In silico analysis is inconsistent in its predictions as to whether or not the variant is damaging to the protein structure/function. We interpret Q2076H as a variant of uncertain significance.

Neuberg Centre For Genomic Medicine, NCGM
Classification: Uncertain significance for Stromme syndrome. Review status: criteria provided, single submitter. Criteria: ACMG Guidelines, 2015. Collection method: clinical testing. Allele origin: germline. Affected: yes.
Comment: The missense variant c.6228G>C (p.Gln2076His) in CENPF gene has been submitted to ClinVar as a Variant of Uncertain Significance, but no details are available for independent assessment. It has not been reported in affected individuals. The p.Gln2076His variant is reported with the allele frequency (0.04%) in the gnomAD Exomes and is novel (not in any individuals) in 1000 Genomes. The amino acid Gln at position 2076 is changed to a His changing protein sequence and it might alter its composition and physico-chemical properties. In silico tools predict the variant to be tolerated. The residue is conserved across species. The amino acid change p.Gln2076His in CENPF is predicted as conserved by GERP++ and PhyloP across 100 vertebrates. For these reasons, this variant has been classified as Variant of Uncertain Significance (VUS).